The following is an entry in ClinVar:

NM_018451.5(CPAP):c.3673dup (p.Glu1225fs)

Genes: CPAP (centrosome assembly and centriole elongation protein; minus strand), RNF17 (ring finger protein 17; plus strand). Cytogenetic location: 13q12.12.
Variant type: Duplication.
Coding change: c.3673dup on transcript NM_018451.5 (MANE Select); coding-DNA position 3673, one base duplicated (G; older notation c.3673dupG).
Protein change: p.Glu1225fs; shifts the reading frame from glutamic acid 1225.
Molecular consequence: frameshift variant. On other transcripts: non-coding transcript variant (2).
Genome position (GRCh38, 1-based): chr13:24,884,191, C duplicated on the plus strand (G on the coding strand, the reverse complement: CPAP is on the minus strand); the first of 2 consecutive C bases (chr13:24,884,191-24,884,192); duplicating either gives the same sequence. VCF-style (leftmost placement, unchanged base first): chr13-24884190-T-TC. GRCh37 (hg19) VCF-style: chr13-25458328-T-TC.
Other names: short protein forms E1225fs.
Identifiers: ClinVar variation 4294006 (VCV004294006.1).

ClinVar aggregate classification (germline): Likely pathogenic (1 of 4 stars; one submission).

Conditions:
Microcephaly 6, primary, autosomal recessive. Identifiers: Orphanet 2512, MedGen C1842109, MONDO:0012029, OMIM 608393.

Submission:

3billion
Classification: Likely pathogenic for Microcephaly 6, primary, autosomal recessive. Last evaluated: 2025-01-24. Review status: criteria provided, single submitter. Criteria: ACMG Guidelines, 2015. Collection method: clinical testing. Allele origin: germline. Affected: yes.
Comment: The variant is not observed in the gnomAD v4.1.0 dataset. Predicted Consequence/Location: Frameshift: predicted to result in a loss or disruption of normal protein function through nonsense-mediated decay (NMD) or protein truncation. Multiple pathogenic variants are reported downstream of the variant. Therefore, this variant is classified as Likely pathogenic according to the recommendation of ACMG/AMP guideline.